The following is an entry in ClinVar:

ClinVar aggregate classification (germline): Uncertain significance (0 of 4 stars; one submission).

Conditions:
ITGB4-related disorder. Also called: ITGB4-related condition.

gnomAD v4.1: 14 of 1,611,782 alleles (0.00087%); highest among the groups gnomAD compares: African/African-American, 0.011%; no homozygotes.

Submission:

PreventionGenetics, part of Exact Sciences
Classification: Uncertain significance for ITGB4-related condition. Last evaluated: 2024-03-29. Review status: no assertion criteria provided. Collection method: clinical testing. Allele origin: germline.
Comment: The ITGB4 c.4441C>A variant is predicted to result in the amino acid substitution p.Pro1481Thr. This variant is referred to as c.4558+332C>A (intronic) with the primary transcript NM_000213. To our knowledge, this variant has not been reported in the literature. This variant is reported in 0.0081% of alleles in individuals of African descent in gnomAD. At this time, the clinical significance of this variant is uncertain due to the absence of conclusive functional and genetic evidence.

NM_000213.5(ITGB4):c.4558+332C>A

Genes: GALK1 (galactokinase 1; minus strand), ITGB4 (integrin subunit beta 4; plus strand). Cytogenetic location: 17q25.1.
Variant type: single nucleotide variant.
Coding change: c.4558+332C>A on transcript NM_000213.5 (MANE Select); 332 bases into the intron after coding-DNA position 4558, C replaced by A.
Molecular consequence: intron variant. On other transcripts: missense variant (1).
Genome position (GRCh38, 1-based): chr17:75,755,147, C>A. VCF-style: chr17-75755147-C-A. GRCh37 (hg19) VCF-style: chr17-73751228-C-A.
Other names: c.4441C>A, p.Pro1481Thr (NM_001005619.2); c.4348+332C>A (NM_001005731.3, NM_001438834.1, NM_001321123.2); c.*22+2887G>T (NM_001381985.1); short protein forms P1481T.
Identifiers: ClinVar variation 3356034 (VCV003356034.1).
Genomic context (GRCh38, chr17:75,755,147, plus strand): 5'-AGGCTTCCGCTGTCCTGGGCCCTGGGGTCCCGGAGTCGGGCTCAGATGAAAGGGTTCCCC[C>A]CTTCCAGGGGCCCACGAGACTCTATAATCCTGGCTGGGAGGCCAGCAGCGCCCTCCTGGG-3'